The following is an entry in ClinVar:

ClinVar aggregate classification (germline): Benign (1 of 4 stars; one submission).

Allele frequency attached by ClinVar (database versions not stated): 1000 Genomes Project 30x 0.00375; 1000 Genomes Project 0.00419; TOPMed 0.00466; gnomAD 0.00719; gnomAD exomes 0.00859.

Submission:

CeGaT Center for Human Genetics Tuebingen
Classification: Benign. Last evaluated: 2026-07-01. Review status: criteria provided, single submitter. Criteria: CeGaT Center For Human Genetics Tuebingen Variant Classification Criteria Version 2. Collection method: clinical testing. Allele origin: germline. Affected: yes. Observed: 14 variant alleles.
Comment: TMEM107: BS1, BS2

NM_183065.4(TMEM107):c.*481del

Genes: TMEM107 (transmembrane protein 107; minus strand), LOC130060223 (ATAC-STARR-seq lymphoblastoid active region 11672; plus strand). Cytogenetic location: 17p13.1.
Variant type: Deletion.
Coding change: c.*481del on transcript NM_183065.4 (MANE Select); 481 bases downstream of the stop codon, one base deleted (T; older notation c.*481delT).
Molecular consequence: 3 prime UTR variant. On other transcripts: non-coding transcript variant (1).
Genome position (GRCh38, 1-based): chr17:8,173,722, A deleted on the plus strand (T on the coding strand, the reverse complement: TMEM107 is on the minus strand). VCF-style (leftmost placement, unchanged base first): chr17-8173721-CA-C. GRCh37 (hg19) VCF-style: chr17-8077039-CA-C.
Other names: c.*481del (NM_001351278.2, NM_001351279.2, NM_001351280.2 and 1 more transcripts).
Identifiers: ClinVar variation 2647453 (VCV002647453.24), dbSNP rs544793202, ClinGen allele CA287525127.